The following is an entry in ClinVar:

NM_001754.5(RUNX1):c.1420G>A (p.Glu474Lys)

Gene: RUNX1 (RUNX family transcription factor 1; minus strand). Cytogenetic location: 21q22.12.
Variant type: single nucleotide variant.
Coding change: c.1420G>A on transcript NM_001754.5 (MANE Select); coding-DNA position 1420, G replaced by A.
Protein change: p.Glu474Lys; replaces glutamic acid 474 with lysine.
Molecular consequence: missense variant.
Genome position (GRCh38, 1-based): chr21:34,792,158, C>T on the plus strand (G>A on the coding strand, the complement: RUNX1 is on the minus strand). VCF-style: chr21-34792158-C-T. GRCh37 (hg19) VCF-style: chr21-36164455-C-T.
Other names: NM_001754.5(RUNX1):c.1420G>A; p.Glu474Lys; c.1339G>A, p.Glu447Lys (NM_001001890.3); short protein forms E447K, E474K.
Identifiers: ClinVar variation 836066 (VCV000836066.10), dbSNP rs2056446962, ClinGen allele CA410146656.

ClinVar aggregate classification (germline): Uncertain significance. Review status: reviewed by expert panel (3 of 4 stars). 2 submissions from 2 submitters: Uncertain significance (1). 1 of the submissions does not count toward it. Last evaluated 2024-10-29.

Conditions:
Hereditary thrombocytopenia and hematologic cancer predisposition syndrome. Identifiers: Orphanet 71290, MedGen CN281654, MONDO:0011071.
Hereditary thrombocytopenia and hematological cancer predisposition syndrome associated with RUNX1. Also called: PLATELET DISORDER, ASPIRIN-LIKE; Familial Platelet Disorder with Propensity to Acute Myelogenous Leukemia; Familial thrombocytopenia with propensity to acute myelogenous leukemia; RUNX1 Familial Platelet Disorder with Associated Myeloid Malignancies. Identifiers: Orphanet 71290, MedGen C1832388, MeSH C563324, MONDO:0100083, OMIM 601399.

Submissions (2):

ClinGen Myeloid Malignancy Variant Curation Expert Panel
Classification: Uncertain significance for Hereditary thrombocytopenia and hematologic cancer predisposition syndrome. Last evaluated: 2024-10-29. Review status: reviewed by expert panel. Criteria: ClinGen MyeloMalig ACMG Specifications v2. Collection method: curation. Allele origin: germline. Inheritance: Autosomal dominant inheritance.
Comment: NM_001754.5(RUNX1):c.1420G>A (p.Glu474Lys) is a missense variant which has a REVEL score < 0.50 (0.407) and a SpliceAI score ≤ 0.20 (0.0) (BP4). This variant is completely absent from all population databases with at least 20x coverage for RUNX1 (PM2_Supporting). In summary, the clinical significance of this variant is uncertain. ACMG/AMP criteria applied, as specified by the Myeloid Malignancy Variant Curation Expert Panel for RUNX1: BP4, PM2_supporting.

Labcorp Genetics (formerly Invitae), Labcorp
Classification: Uncertain significance for Hereditary thrombocytopenia and hematological cancer predisposition syndrome associated with RUNX1. Last evaluated: 2019-01-21. Review status: criteria provided, single submitter. Criteria: Invitae Variant Classification Sherloc (09022015). Collection method: clinical testing. Allele origin: germline. Not counted in ClinVar's aggregate classification.
Comment: In summary, the available evidence is currently insufficient to determine the role of this variant in disease. Therefore, it has been classified as a Variant of Uncertain Significance. Algorithms developed to predict the effect of missense changes on protein structure and function are either unavailable or do not agree on the potential impact of this missense change (SIFT: "Tolerated"; PolyPhen-2: "Probably Damaging"; Align-GVGD: "Class C0"). This variant has not been reported in the literature in individuals with RUNX1-related conditions. The frequency data for this variant in the population databases is considered unreliable, as metrics indicate insufficient coverage at this position in the ExAC database. This sequence change replaces glutamic acid with lysine at codon 474 of the RUNX1 protein (p.Glu474Lys). The glutamic acid residue is moderately conserved and there is a small physicochemical difference between glutamic acid and lysine.